The following is an entry in ClinVar:

NM_000179.3(MSH6):c.260+2T>C

Genes: MSH6 (mutS homolog 6; plus strand), LOC129933707 (ATAC-STARR-seq lymphoblastoid silent region 11468; plus strand). Cytogenetic location: 2p16.3.
Variant type: single nucleotide variant.
Coding change: c.260+2T>C on transcript NM_000179.3 (MANE Select); the canonical splice donor site of the intron after coding-DNA position 260, T replaced by C.
Molecular consequence: splice donor variant. On other transcripts: intron variant (7).
Genome position (GRCh38, 1-based): chr2:47,783,495, T>C. VCF-style: chr2-47783495-T-C. GRCh37 (hg19) VCF-style: chr2-48010634-T-C.
Other names: c.260+2T>C (NM_001406809.1, NM_001406796.1, NM_001406795.1 and 8 more transcripts); c.-477+2T>C (NM_001406811.1, NM_001281493.2); c.-38+264T>C (NM_001406805.1, NM_001406797.1, NM_001406801.1); c.-669+2T>C (NM_001406807.1); c.-735+2T>C (NM_001406814.1); c.-324+2T>C (NM_001406812.1); c.-69+2T>C (NM_001406799.1); c.-280+2T>C (NM_001406816.1); and 4 more.
Identifiers: ClinVar variation 1495655 (VCV001495655.10), dbSNP rs1553408469, ClinGen allele CA346735209.

ClinVar aggregate classification (germline): Likely pathogenic. Review status: criteria provided, multiple submitters, no conflicts (2 of 4 stars). 3 submissions from 3 submitters: Likely pathogenic (3). Last evaluated 2025-08-13.

Conditions:
Hereditary nonpolyposis colorectal neoplasms. Identifiers: MedGen C0009405, MeSH D003123.
Lynch syndrome 5 (LYNCH5). Also called: Colorectal cancer, hereditary nonpolyposis, type 5; Hereditary non-polyposis colorectal cancer, type 5. Identifiers: Orphanet 144, MedGen C1833477, MONDO:0013710, OMIM 614350. Disease mechanism: loss of function.

Submissions (3):

GeneDx
Classification: Likely pathogenic. Last evaluated: 2025-08-13. Review status: criteria provided, single submitter. Criteria: GeneDx Variant Classification Process June 2021. Collection method: clinical testing. Allele origin: germline. Affected: yes.
Comment: Canonical splice site variant predicted to result in a null allele in a gene for which loss of function is a known mechanism of disease; Not observed at significant frequency in large population cohorts (gnomAD); Has not been previously published as pathogenic or benign to our knowledge

Myriad Genetics, Inc.
Classification: Likely pathogenic for Lynch syndrome 5. Last evaluated: 2023-08-09. Review status: criteria provided, single submitter. Criteria: Myriad Autosomal Dominant, Autosomal Recessive and X-Linked Classification Criteria (2023). Collection method: clinical testing. Allele origin: unknown.
Comment: This variant is considered likely pathogenic. This variant occurs within a consensus splice junction and is predicted to result in abnormal mRNA splicing of either an out-of-frame exon or an in-frame exon necessary for protein stability and/or normal function.

Labcorp Genetics (formerly Invitae), Labcorp
Classification: Likely pathogenic for Hereditary nonpolyposis colorectal neoplasms. Last evaluated: 2022-09-12. Review status: criteria provided, single submitter. Criteria: Invitae Variant Classification Sherloc (09022015). Collection method: clinical testing. Allele origin: germline.
Comment: This sequence change affects a donor splice site in intron 1 of the MSH6 gene. RNA analysis indicates that disruption of this splice site induces altered splicing and is likely to result in the loss of the initiator methionine. In summary, the currently available evidence indicates that the variant is pathogenic, but additional data are needed to prove that conclusively. Therefore, this variant has been classified as Likely Pathogenic. Studies have shown that disruption of this splice site results in skipping of exon 1, and is expected to result in the loss of the initiator methionine (Invitae). ClinVar contains an entry for this variant (Variation ID: 1495655). This variant has not been reported in the literature in individuals affected with MSH6-related conditions. This variant is not present in population databases (gnomAD no frequency).